The following is an entry in ClinVar:

ClinVar aggregate classification (germline): Uncertain significance (1 of 4 stars; one submission).

Conditions:
Early-infantile DEE. Also called: Early infantile epileptic encephalopathy with suppression bursts; Early infantile epileptic encephalopathy; Ohtahara syndrome. Identifiers: Orphanet 1934, MedGen C0393706, MONDO:0800491.

Submission:

Labcorp Genetics (formerly Invitae), Labcorp
Classification: Uncertain significance for Early-infantile DEE. Last evaluated: 2022-08-16. Review status: criteria provided, single submitter. Criteria: Invitae Variant Classification Sherloc (09022015). Collection method: clinical testing. Allele origin: germline.
Comment: Algorithms developed to predict the effect of missense changes on protein structure and function (SIFT, PolyPhen-2, Align-GVGD) all suggest that this variant is likely to be disruptive. In summary, the available evidence is currently insufficient to determine the role of this variant in disease. Therefore, it has been classified as a Variant of Uncertain Significance. Algorithms developed to predict the effect of sequence changes on RNA splicing suggest that this variant may create or strengthen a splice site. This variant has not been reported in the literature in individuals affected with SCN1A-related conditions. This variant is not present in population databases (gnomAD no frequency). This sequence change replaces leucine, which is neutral and non-polar, with glutamine, which is neutral and polar, at codon 864 of the SCN1A protein (p.Leu864Gln).

NM_001165963.4(SCN1A):c.2591T>A (p.Leu864Gln)

Gene: SCN1A (sodium voltage-gated channel alpha subunit 1; minus strand). Cytogenetic location: 2q24.3.
Variant type: single nucleotide variant.
Coding change: c.2591T>A on transcript NM_001165963.4 (MANE Select); coding-DNA position 2591, T replaced by A.
Protein change: p.Leu864Gln; replaces leucine 864 with glutamine.
Molecular consequence: missense variant. On other transcripts: non-coding transcript variant (1).
Genome position (GRCh38, 1-based): chr2:166,038,131, A>T on the plus strand (T>A on the coding strand, the complement: SCN1A is on the minus strand). VCF-style: chr2-166038131-A-T. GRCh37 (hg19) VCF-style: chr2-166894641-A-T.
Other names: c.2507T>A, p.Leu836Gln (NM_001165964.3, NM_001353957.2, NM_001353958.2); c.2591T>A, p.Leu864Gln (NM_001202435.3, NM_001353948.2); c.2558T>A, p.Leu853Gln (NM_001353949.2, NM_001353950.2, NM_001353951.2 and 2 more transcripts); c.2555T>A, p.Leu852Gln (NM_001353954.2, NM_001353955.2); c.2504T>A, p.Leu835Gln (NM_001353960.2); c.149T>A, p.Leu50Gln (NM_001353961.2); short protein forms L50Q, L835Q, L836Q, L852Q, L853Q, L864Q.
Identifiers: ClinVar variation 1716554 (VCV001716554.5), dbSNP rs759632616, ClinGen allele CA349061821.